The following is an entry in ClinVar:

NM_020778.5(ALPK3):c.3499A>T (p.Arg1167Ter)

Gene: ALPK3 (alpha kinase 3; plus strand). Cytogenetic location: 15q25.3.
Variant type: single nucleotide variant.
Coding change: c.3499A>T on transcript NM_020778.5 (MANE Select); coding-DNA position 3499, A replaced by T.
Protein change: p.Arg1167Ter; replaces arginine 1167 with a stop codon.
Molecular consequence: nonsense.
Genome position (GRCh38, 1-based): chr15:84,858,237, A>T. VCF-style: chr15-84858237-A-T. GRCh37 (hg19) VCF-style: chr15-85401468-A-T.
Other names: short protein forms R1167*.
Identifiers: ClinVar variation 3729607 (VCV003729607.2).

ClinVar aggregate classification (germline): Pathogenic (1 of 4 stars; one submission).

Submission:

Labcorp Genetics (formerly Invitae), Labcorp
Classification: Pathogenic. Last evaluated: 2025-01-26. Review status: criteria provided, single submitter. Criteria: Invitae Variant Classification Sherloc (09022015). Collection method: clinical testing. Allele origin: germline.
Comment: This sequence change creates a premature translational stop signal (p.Arg1369*) in the ALPK3 gene. It is expected to result in an absent or disrupted protein product. Loss-of-function variants in ALPK3 are known to be pathogenic (PMID: 21441111, 26846950, 27106955, 34263907). This variant is not present in population databases (gnomAD no frequency). This variant has not been reported in the literature in individuals affected with ALPK3-related conditions. For these reasons, this variant has been classified as Pathogenic.

Literature cited by the submitters: PubMed 21441111; PubMed 26846950; PubMed 27106955; PubMed 34263907.